The following is an entry in ClinVar:

NM_004521.3(KIF5B):c.1669_1689del (p.Ser557_Ala563del)

Gene: KIF5B (kinesin family member 5B; minus strand). Cytogenetic location: 10p11.22.
Variant type: Deletion.
Coding change: c.1669_1689del on transcript NM_004521.3 (MANE Select); coding-DNA positions 1669 to 1689, 21 bases deleted (TCTTTACTAAAAGACCTTGCA).
Protein change: p.Ser557_Ala563del.
Genome position (GRCh38, 1-based): chr10:32,028,464-32,028,484, TGCAAGGTCTTTTAGTAAAGA deleted on the plus strand (TCTTTACTAAAAGACCTTGCA on the coding strand, the reverse complement: KIF5B is on the minus strand); deleting any 21 consecutive bases within chr10:32,028,464-32,028,487 gives the same sequence; the c. name uses the placement nearest the transcript's 3' end. VCF-style (leftmost placement, unchanged base first): chr10-32028463-CTGCAAGGTCTTTTAGTAAAGA-C. GRCh37 (hg19) VCF-style: chr10-32317391-CTGCAAGGTCTTTTAGTAAAGA-C.
Identifiers: ClinVar variation 3363932 (VCV003363932.1).

ClinVar aggregate classification (germline): Uncertain significance (1 of 4 stars; one submission).

Submission:

GeneDx
Classification: Uncertain significance. Last evaluated: 2023-11-05. Review status: criteria provided, single submitter. Criteria: GeneDx Variant Classification Process June 2021. Collection method: clinical testing. Allele origin: germline. Affected: yes.
Comment: Not observed at significant frequency in large population cohorts (gnomAD); In-frame deletion of 7 amino acids in a non-repeat region; In silico analysis supports a deleterious effect on protein structure/function; Has not been previously published as pathogenic or benign to our knowledge; Variants in candidate genes are classified as variants of uncertain significance in accordance with ACMG guidelines (PMID: 25741868)